The following is an entry in ClinVar:

ClinVar aggregate classification (germline): Uncertain significance. Review status: criteria provided, multiple submitters, no conflicts (2 of 4 stars). 2 submissions from 2 submitters: Uncertain significance (2). Last evaluated 2023-12-27.

Conditions:
Nephronophthisis 3 (NPHP3). Also called: Adolescent nephronophthisis. Identifiers: Orphanet 655, MedGen C1858392, MONDO:0011456, OMIM 604387.
Renal-hepatic-pancreatic dysplasia 1 (RHPD1). Identifiers: OMIM 208540, MedGen C3715199, MONDO:0008833.
NPHP3-related Meckel-like syndrome. Also called: GOLDSTON SYNDROME; Meckel syndrome type 7. Identifiers: Orphanet 3032, MedGen C2673885, MONDO:0009966, OMIM 267010.
Nephronophthisis. Also called: Juvenile Nephronophthisis. Identifiers: Orphanet 655, MedGen C0687120, MONDO:0019005, HP:0000090.

Allele frequency attached by ClinVar (database versions not stated): gnomAD exomes below 0.00001; TOPMed 0.00001.
gnomAD v4.1: 4 of 1,463,036 alleles (0.00027%); highest among the groups gnomAD compares: African/African-American, 0.0014%; no homozygotes.

Submissions (2):

Fulgent Genetics
Classification: Uncertain significance for Renal-hepatic-pancreatic dysplasia 1; NPHP3-related Meckel-like syndrome; Nephronophthisis 3. Last evaluated: 2023-12-27. Review status: criteria provided, single submitter. Criteria: ACMG Guidelines, 2015. Collection method: clinical testing. Allele origin: germline.

Labcorp Genetics (formerly Invitae), Labcorp
Classification: Uncertain significance for Nephronophthisis. Last evaluated: 2022-11-15. Review status: criteria provided, single submitter. Criteria: Invitae Variant Classification Sherloc (09022015). Collection method: clinical testing. Allele origin: germline.
Comment: In summary, the available evidence is currently insufficient to determine the role of this variant in disease. Therefore, it has been classified as a Variant of Uncertain Significance. Algorithms developed to predict the effect of missense changes on protein structure and function (SIFT, PolyPhen-2, Align-GVGD) all suggest that this variant is likely to be tolerated. ClinVar contains an entry for this variant (Variation ID: 1007023). This variant has not been reported in the literature in individuals affected with NPHP3-related conditions. This variant is present in population databases (no rsID available, gnomAD 0.007%). This sequence change replaces valine, which is neutral and non-polar, with isoleucine, which is neutral and non-polar, at codon 444 of the NPHP3 protein (p.Val444Ile).

NM_153240.5(NPHP3):c.1330G>A (p.Val444Ile)

Genes: NPHP3-ACAD11 (NPHP3-ACAD11 readthrough (NMD candidate); minus strand), NPHP3 (nephrocystin 3; minus strand). Cytogenetic location: 3q22.1.
Variant type: single nucleotide variant.
Coding change: c.1330G>A on transcript NM_153240.5 (MANE Select); coding-DNA position 1330, G replaced by A.
Protein change: p.Val444Ile; replaces valine 444 with isoleucine.
Molecular consequence: missense variant. On other transcripts: non-coding transcript variant (1).
Genome position (GRCh38, 1-based): chr3:132,705,760, C>T on the plus strand (G>A on the coding strand, the complement: NPHP3 is on the minus strand). VCF-style: chr3-132705760-C-T. GRCh37 (hg19) VCF-style: chr3-132424604-C-T.
Other names: short protein forms V444I.
Identifiers: ClinVar variation 1007023 (VCV001007023.7), dbSNP rs921931732, ClinGen allele CA83597274.